The following is an entry in ClinVar:

NM_197968.4(ZMYM2):c.3355A>C (p.Asn1119His)

Gene: ZMYM2 (zinc finger MYM-type containing 2; plus strand). Cytogenetic location: 13q12.11.
Variant type: single nucleotide variant.
Coding change: c.3355A>C on transcript NM_197968.4 (MANE Select); coding-DNA position 3355, A replaced by C.
Protein change: p.Asn1119His; replaces asparagine 1119 with histidine.
Molecular consequence: missense variant. On other transcripts: non-coding transcript variant (1).
Genome position (GRCh38, 1-based): chr13:20,067,292, A>C. VCF-style: chr13-20067292-A-C. GRCh37 (hg19) VCF-style: chr13-20641432-A-C.
Other names: c.3355A>C, p.Asn1119His (NM_001190964.4, NM_001190965.4, NM_001353157.2 and 5 more transcripts); c.3160A>C, p.Asn1054His (NM_001353161.3); c.3094A>C, p.Asn1032His (NM_001353163.2); short protein forms N1032H, N1054H, N1119H.
Identifiers: ClinVar variation 1690571 (VCV001690571.2), dbSNP rs2140888201, ClinGen allele CA387467309.

ClinVar aggregate classification (germline): Uncertain significance (1 of 4 stars; one submission).

Submission:

Laboratorio de Genetica e Diagnostico Molecular, Hospital Israelita Albert Einstein
Classification: Uncertain significance. Last evaluated: 2022-02-22. Review status: criteria provided, single submitter. Criteria: ACMG Guidelines, 2015. Collection method: clinical testing. Allele origin: germline. Affected: yes.
Comment: ACMG classification criteria: PM2, BP4